The following is an entry in ClinVar:

ClinVar aggregate classification (germline): Likely pathogenic (1 of 4 stars; one submission).

Conditions:
Ovarian hyperstimulation syndrome (OHSS). Also called: OVARIAN HYPERSTIMULATION SYNDROME, FAMILIAL GESTATIONAL SPONTANEOUS. Identifiers: Orphanet 64739, MedGen C0085083, MONDO:0011972, OMIM 608115.
Dizygotic twins. Also called: TWINNING, DIZYGOTIC. Identifiers: MedGen C0220761, OMIM 276400.
Ovarian dysgenesis 1 (ODG1). Also called: Gonadal dysgenesis XX type deafness; GONADAL DYSGENESIS, XX TYPE; OVARIAN DYSGENESIS, HYPERGONADOTROPIC, AUTOSOMAL RECESSIVE; OVARIAN DYSGENESIS, HYPERGONADOTROPIC, WITH NORMAL KARYOTYPE; OVARIAN FAILURE, HYPERGONADOTROPIC. Identifiers: Orphanet 243, MedGen C0949595, MONDO:0024463, OMIM 233300.

gnomAD v4.1: 4 of 1,614,062 alleles (0.00025%); highest among the groups gnomAD compares: African/African-American, 0.0013%; no homozygotes.

Submission:

Juno Genomics, Hangzhou Juno Genomics, Inc
Classification: Likely pathogenic for Ovarian dysgenesis 1; Ovarian hyperstimulation syndrome; Dizygotic twins. Review status: criteria provided, single submitter. Criteria: ACMG Guidelines, 2015. Collection method: clinical testing. Allele origin: germline. Affected: yes.
Comment: Absent from controls (or at extremely low frequency if recessive) in Genome Aggregation Database, Exome Sequencing Project, 1000 Genomes Project, or Exome Aggregation Consortium.;Novel missense change at an amino acid residue where a different missense change determined to be pathogenic has been seen before.;Patient's phenotype or family history is highly specific for a disease with a single genetic etiology.;Multiple lines of computational evidence support a deleterious effect on the gene or gene product (conservation, evolutionary, splicing impact, etc).

NM_000145.4(FSHR):c.1255G>C (p.Ala419Pro)

Gene: FSHR (follicle stimulating hormone receptor; minus strand). Cytogenetic location: 2p16.3.
Variant type: single nucleotide variant.
Coding change: c.1255G>C on transcript NM_000145.4 (MANE Select); coding-DNA position 1255, G replaced by C.
Protein change: p.Ala419Pro; replaces alanine 419 with proline.
Molecular consequence: missense variant.
Genome position (GRCh38, 1-based): chr2:48,963,566, C>G on the plus strand (G>C on the coding strand, the complement: FSHR is on the minus strand). VCF-style: chr2-48963566-C-G. GRCh37 (hg19) VCF-style: chr2-49190705-C-G.
Other names: c.1177G>C, p.Ala393Pro (NM_181446.3); short protein forms A393P, A419P.
Identifiers: ClinVar variation 3381987 (VCV003381987.2).
Genomic context (GRCh38, chr2:48,963,566, plus strand): 5'-CAGTTTGCCAGTCAATGGCATAGTTGTGATATTGGCTCTTGGTATGGATATCAACTGATG[C>G]AATGAGCAGCAGGTAGATTCCAATGCAGAGATCAGCAAAGGCCAGGTTGCACATAAGGAA-3'
Protein context (NP_000136.2, residues 409-429): LCIGIYLLLI[Ala419Pro]SVDIHTKSQY